The following is an entry in ClinVar:

NM_005751.5(AKAP9):c.9373A>C (p.Asn3125His)

Gene: AKAP9 (A-kinase anchoring protein 9; plus strand). Cytogenetic location: 7q21.2.
Variant type: single nucleotide variant.
Coding change: c.9373A>C on transcript NM_005751.5 (MANE Select); coding-DNA position 9373, A replaced by C.
Protein change: p.Asn3125His; replaces asparagine 3125 with histidine.
Molecular consequence: missense variant.
Genome position (GRCh38, 1-based): chr7:92,093,111, A>C. VCF-style: chr7-92093111-A-C. GRCh37 (hg19) VCF-style: chr7-91722425-A-C.
Other names: c.4018A>C, p.Asn1340His (NM_001379277.1); c.9349A>C, p.Asn3117His (NM_147185.3); short protein forms N3125H, N3117H, N1340H.
Identifiers: ClinVar variation 4265206 (VCV004265206.1).

ClinVar aggregate classification (germline): Uncertain significance (1 of 4 stars; one submission).

Conditions:
Cardiovascular phenotype. Identifiers: MedGen CN230736.

Submission:

Ambry Genetics
Classification: Uncertain significance for Cardiovascular phenotype. Last evaluated: 2025-08-03. Review status: criteria provided, single submitter. Criteria: Ambry Variant Classification Scheme 2023. Collection method: clinical testing. Allele origin: germline.
Comment: The p.N3125H variant (also known as c.9373A>C), located in coding exon 39 of the AKAP9 gene, results from an A to C substitution at nucleotide position 9373. The asparagine at codon 3125 is replaced by histidine, an amino acid with similar properties. This amino acid position is conserved. In addition, this alteration is predicted to be tolerated by in silico analysis. Based on the available evidence, the clinical significance of this variant remains unclear.